The following is an entry in ClinVar:

ClinVar aggregate classification (germline): Uncertain significance (1 of 4 stars; one submission).

Submission:

Labcorp Genetics (formerly Invitae), Labcorp
Classification: Uncertain significance. Last evaluated: 2022-01-17. Review status: criteria provided, single submitter. Criteria: Invitae Variant Classification Sherloc (09022015). Collection method: clinical testing. Allele origin: germline.
Comment: In summary, the available evidence is currently insufficient to determine the role of this variant in disease. Therefore, it has been classified as a Variant of Uncertain Significance. Algorithms developed to predict the effect of missense changes on protein structure and function are either unavailable or do not agree on the potential impact of this missense change (SIFT: "Deleterious"; PolyPhen-2: "Benign"; Align-GVGD: "Class C65"). This variant has not been reported in the literature in individuals affected with ABCA4-related conditions. This variant is not present in population databases (gnomAD no frequency). This sequence change replaces arginine, which is basic and polar, with threonine, which is neutral and polar, at codon 425 of the ABCA4 protein (p.Arg425Thr).

NM_000350.3(ABCA4):c.1274G>C (p.Arg425Thr)

Gene: ABCA4 (ATP binding cassette subfamily A member 4; minus strand). Cytogenetic location: 1p22.1.
Variant type: single nucleotide variant.
Coding change: c.1274G>C on transcript NM_000350.3 (MANE Select); coding-DNA position 1274, G replaced by C.
Protein change: p.Arg425Thr; replaces arginine 425 with threonine.
Molecular consequence: missense variant.
Genome position (GRCh38, 1-based): chr1:94,078,672, C>G on the plus strand (G>C on the coding strand, the complement: ABCA4 is on the minus strand). VCF-style: chr1-94078672-C-G. GRCh37 (hg19) VCF-style: chr1-94544228-C-G.
Other names: c.1274G>C, p.Arg425Thr (NM_001425324.1); short protein forms R425T.
Identifiers: ClinVar variation 2087335 (VCV002087335.4), dbSNP rs1218530733, ClinGen allele CA341282430.
Genomic context (GRCh38, chr1:94,078,672, plus strand): 5'-CTGTTGTCAAAGAAGTACCAGATCTGGGGCCCTACTTCTTCCCAGGCTTTGACCAACTTC[C>G]TAACGTGTTCCAGTTCTTCAAAAGTTGAGTTGGCCTAAAACCAGACAGAGATCAAGACAG-3'
Protein context (NP_000341.2, residues 415-435): NSTFEELEHV[Arg425Thr]KLVKAWEEVG